The following is an entry in ClinVar:

ClinVar aggregate classification (germline): Uncertain significance (1 of 4 stars; one submission).

Submission:

Labcorp Genetics (formerly Invitae), Labcorp
Classification: Uncertain significance. Last evaluated: 2024-11-11. Review status: criteria provided, single submitter. Criteria: Invitae Variant Classification Sherloc (09022015). Collection method: clinical testing. Allele origin: germline.
Comment: This sequence change replaces lysine, which is basic and polar, with alanine, which is neutral and non-polar, at codon 357 of the CFB protein (p.Lys357Ala). This variant is present in population databases (no rsID available, gnomAD 0.0008%). This variant has not been reported in the literature in individuals affected with CFB-related conditions. An algorithm developed to predict the effect of missense changes on protein structure and function (PolyPhen-2) suggests that this variant is likely to be tolerated. In summary, the available evidence is currently insufficient to determine the role of this variant in disease. Therefore, it has been classified as a Variant of Uncertain Significance.

NM_001710.6(CFB):c.1069_1070delinsGC (p.Lys357Ala)

Gene: CFB (complement factor B; plus strand). Cytogenetic location: 6p21.33.
Variant type: Indel.
Coding change: c.1069_1070delinsGC on transcript NM_001710.6 (MANE Select); coding-DNA positions 1069 to 1070, AA replaced by GC.
Protein change: p.Lys357Ala; replaces lysine 357 with alanine.
Molecular consequence: missense variant.
Genome position (GRCh38, 1-based): chr6:31,948,862-31,948,863, AA replaced by GC. VCF-style: chr6-31948862-AA-GC. GRCh37 (hg19) VCF-style: chr6-31916639-AA-GC.
Other names: short protein forms K357A.
Identifiers: ClinVar variation 3717815 (VCV003717815.2).